The following is an entry in ClinVar:

NM_152564.5(VPS13B):c.9185dup (p.Leu3062fs)

Gene: VPS13B (vacuolar protein sorting 13 homolog B; plus strand). Cytogenetic location: 8q22.2.
Variant type: Duplication.
Coding change: c.9185dup on transcript NM_152564.5 (MANE Select); coding-DNA position 9185, one base duplicated (T; older notation c.9185dupT).
Protein change: p.Leu3062fs; shifts the reading frame from leucine 3062.
Molecular consequence: frameshift variant.
Genome position (GRCh38, 1-based): chr8:99,823,833, T duplicated; the last of 2 consecutive T bases (chr8:99,823,832-99,823,833); duplicating either gives the same sequence. VCF-style (leftmost placement, unchanged base first): chr8-99823831-G-GT. GRCh37 (hg19) VCF-style: chr8-100836059-G-GT.
Other names: 9258_9259insT; NM_152564.5(VPS13B):c.9185dup; p.Leu3062fs; c.9260dup (NM_017890.3); c.9260dupT (NM_017890.4); c.9259dupT (NM_017890.4); c.9260dup, p.Leu3087fs (NM_017890.5); c.9185dupT (NM_152564.4); short protein forms L3062fs, L3087fs.
Identifiers: ClinVar variation 2826 (VCV000002826.18), dbSNP rs180177329, ClinGen allele CA252452.
Genomic context (GRCh38, chr8:99,823,831, plus strand): 5'-CAAGAGATTTTGATATGCCTTACAGTATTGTCAAAATTATTTTTTCTCAATTATCTTGTA[G>GT]TTATGTCAGTTCTGCATTTCCTCCATGGTACAGCAAGGTATACAAATTATTCAGATTGAA-3'

ClinVar aggregate classification (germline): Pathogenic. Review status: criteria provided, multiple submitters, no conflicts (2 of 4 stars). 10 submissions from 10 submitters: Pathogenic (5). 5 of the submissions do not count toward it. Last evaluated 2026-10-05.

Conditions:
VPS13B-related disorder. Also called: VPS13B-related condition.
Inborn genetic diseases. Identifiers: MedGen C0950123, MeSH D030342.
Cohen syndrome (COH1). Also called: Cutis verticis gyrata, retinitis pigmentosa, and sensorineural deafness; PEPPER SYNDROME. Identifiers: Orphanet 193, MedGen C0265223, MONDO:0008999, OMIM 216550.

Submissions (10):

GeneDx
Classification: Pathogenic. Last evaluated: 2026-10-05. Review status: criteria provided, single submitter. Criteria: GeneDx Variant Classification Process June 2021. Collection method: clinical testing. Allele origin: germline.
Comment: Not observed at significant frequency in large population cohorts (gnomAD); Frameshift variant predicted to result in protein truncation or nonsense mediated decay in a gene for which loss of function is a known mechanism of disease; This variant is associated with the following publications: (PMID: 29985682, 15211651, 20301655, 20461111, 16648375, 15141358)

Natera, Inc.
Classification: Pathogenic for Cohen syndrome. Last evaluated: 2025-12-30. Review status: criteria provided, single submitter. Criteria: Natera Variant Classification Schema (03/2026). Collection method: clinical testing. Allele origin: germline.
Comment: The c.9260dupT variant in VPS13B is a frameshift variant predicted to shift the reading frame beginning at codon 3087 and leads to a stop codon 20 codons downstream. This variant is expected to result in nonsense mediated decay, truncation, or a dysfunctional protein product. This variant is rare in the general population with a frequency below the threshold expected for the associated phenotype(s). This variant has been observed in one or more individuals affected with the associated recessive disease, as either homozygous or compound heterozygous with a second variant (PMID: 15211651). Additionally, this variant has been observed to segregate in affected family members (PMID: 15211651). Given the available evidence, this variant is classified as Pathogenic.

Labcorp Genetics (formerly Invitae), Labcorp
Classification: Pathogenic for Cohen syndrome. Last evaluated: 2025-04-11. Review status: criteria provided, single submitter. Criteria: Invitae Variant Classification Sherloc (09022015). Collection method: clinical testing. Allele origin: germline.
Comment: This sequence change creates a premature translational stop signal (p.Leu3087Phefs*20) in the VPS13B gene. It is expected to result in an absent or disrupted protein product. Loss-of-function variants in VPS13B are known to be pathogenic (PMID: 15141358, 16648375, 20461111). This variant is not present in population databases (gnomAD no frequency). This premature translational stop signal has been observed in individual(s) with Cohen syndrome (PMID: 15211651). It has also been observed to segregate with disease in related individuals. This variant is also known as c.9258_9259insT. ClinVar contains an entry for this variant (Variation ID: 2826). Algorithms developed to predict the effect of sequence changes on RNA splicing suggest that this variant may disrupt the consensus splice site. For these reasons, this variant has been classified as Pathogenic.

Broad Center for Mendelian Genomics, Broad Institute of MIT and Harvard
Classification: Pathogenic for Cohen syndrome. Last evaluated: 2023-05-02. Review status: criteria provided, single submitter. Criteria: ACMG Guidelines, 2015. Collection method: curation. Allele origin: germline. Inheritance: Autosomal recessive inheritance.
Comment: Trio exome analysis revealed that this variant was in trans with a pathogenic variant (ClinVar Variation ID: 845268). The p.Leu3087PhefsTer20 variant in VPS13B has been previously reported in 2 unrelated individuals with Cohen syndrome and segregated with disease in 8 affected relatives from 2 families (PMID: 15211651). These previously reported individuals were homozygotes (PMID: 15211651), which increases the likelihood that the p.Leu3087PhefsTer20 variant is pathogenic. This variant was absent from large population studies. This variant has also been reported in ClinVar (Variation ID: 2826) and has been interpreted as pathogenic by multiple submitters. This variant is predicted to cause a frameshift, which alters the protein‚Äôs amino acid sequence beginning at position 3087 and leads to a premature termination codon 20 amino acids downstream. This alteration is then predicted to lead to a truncated or absent protein. Loss of function of the VPS13B gene is an established disease mechanism in autosomal recessive Cohen syndrome. In summary, this variant meets criteria to be classified as pathogenic for autosomal recessive Cohen syndrome. ACMG/AMP Criteria applied: PVS1, PM2_Supporting, PM3, PP1_Strong (Richards 2015).

Ambry Genetics
Classification: Pathogenic for Inborn genetic diseases. Last evaluated: 2020-01-15. Review status: criteria provided, single submitter. Criteria: Ambry Variant Classification Scheme 2023. Collection method: clinical testing. Allele origin: germline.
Comment: The c.9260dupT (p.L3087Ffs*20) alteration, located in exon 51 (coding exon 50) of the VPS13B gene, results from a duplication of one nucleotide at position 9260, causing a translational frameshift with a predicted alternate stop codon after 20 amino acids. This alteration is expected to result in loss of function by premature protein truncation or nonsense-mediated mRNA decay. This variant was not reported in population-based cohorts in the Genome Aggregation Database (gnomAD). This alteration was reported in 8 affected children from an Amish kindred who were homozygous for this alteration (referred to as c.9258_9259dupT); their phenotypes included childhood-onset pigmentary retinopathy, progressive high myopia, global developmental delay, short stature, microcephaly, truncal hypotonia, joint hyperextensibility, small/narrow hands and feet, and dysmorphic facial features (Falk, 2004). Based on the available evidence, this alteration is classified as pathogenic.

PreventionGenetics, part of Exact Sciences
Classification: Pathogenic for VPS13B-related condition. Last evaluated: 2024-04-26. Review status: no assertion criteria provided. Collection method: clinical testing. Allele origin: germline. Not counted in ClinVar's aggregate classification.
Comment: The VPS13B c.9185dupT variant is predicted to result in a frameshift and premature protein termination (p.Leu3062Phefs*20). This variant has been reported in the homozygous state and along with another homozygous missense variant (c.8384T>C) in multiple individuals with Cohen syndrome from the Ohio Geauga Amish community (reported as c.9258_9259insT, Falk et al. 2004. PubMed ID: 15211651; reported as 9258insT in Table 1, Taban et al. 2007. PubMed ID: 17383910; Li et al. 2018. PubMed ID: 29985682). This variant has not been reported in a large population database, indicating this variant is rare. This variant has been consistently classified as pathogenic or likely pathogenic in ClinVar. Frameshift variants in VPS13B are expected to be pathogenic. This variant is interpreted as pathogenic.

OMIM
Classification: Pathogenic for COHEN SYNDROME. Last evaluated: 2004-07-01. Review status: no assertion criteria provided. Collection method: literature only. Allele origin: germline. Not counted in ClinVar's aggregate classification.

GeneReviews
No classification provided. Condition: Cohen syndrome. Review status: no classification provided. Collection method: literature only. Allele origin: germline. Affected: yes. Not counted in ClinVar's aggregate classification.

Juha Muilu Group; Institute for Molecular Medicine Finland (FIMM)
Classification: Likely pathogenic for Cohen syndrome. Review status: no assertion criteria provided. Collection method: not provided. Allele origin: unknown. Not counted in ClinVar's aggregate classification.
Comment: FinDis database variant: This variant was not found or characterized by our laboratory, data were collected from public sources: see reference
ClinVar note: Converted during submission from probable-pathogenic to Likely pathogenic.

SNPedia
No classification provided. Review status: no classification provided. Collection method: not provided. Allele origin: unknown. Not counted in ClinVar's aggregate classification.

Literature cited by the submitters: PubMed 15211651 (cited by 4 submitters); PubMed 15141358 (cited by Labcorp Genetics (formerly Invitae), Labcorp); PubMed 16648375 (cited by Labcorp Genetics (formerly Invitae), Labcorp); PubMed 20461111 (cited by Labcorp Genetics (formerly Invitae), Labcorp); NCBI Bookshelf NBK1482 (cited by GeneReviews).